The following is an entry in ClinVar:

NM_001776.6(ENTPD1):c.454G>T (p.Val152Leu)

Genes: ENTPD1-AS1 (ENTPD1 antisense RNA 1; minus strand), ENTPD1 (ectonucleoside triphosphate diphosphohydrolase 1; plus strand). Cytogenetic location: 10q24.1.
Variant type: single nucleotide variant.
Coding change: c.454G>T on transcript NM_001776.6 (MANE Select); coding-DNA position 454, G replaced by T.
Protein change: p.Val152Leu; replaces valine 152 with leucine.
Molecular consequence: missense variant.
Genome position (GRCh38, 1-based): chr10:95,844,516, G>T. VCF-style: chr10-95844516-G-T. GRCh37 (hg19) VCF-style: chr10-97604273-G-T.
Other names: c.475G>T, p.Val159Leu (NM_001098175.2); c.490G>T, p.Val164Leu (NM_001164178.1, NM_001320916.1); c.454G>T, p.Val152Leu (NM_001164179.2); c.130G>T, p.Val44Leu (NM_001164181.1, NM_001312654.1); c.40G>T, p.Val14Leu (NM_001164182.2, NM_001164183.2); short protein forms V14L, V44L, V152L, V159L, V164L.
Identifiers: ClinVar variation 1040141 (VCV001040141.8), dbSNP rs760388886, ClinGen allele CA5621407.

ClinVar aggregate classification (germline): Uncertain significance. Review status: criteria provided, multiple submitters, no conflicts (2 of 4 stars). 2 submissions from 2 submitters: Uncertain significance (2). Last evaluated 2023-02-23.

Conditions:
Hereditary spastic paraplegia 64. Also called: Spastic paraplegia 64, autosomal recessive; ENTPD1-Related Neurodevelopmental Disorder. Identifiers: Orphanet 401810, MedGen C3810289, MONDO:0014303, OMIM 615683.
Inborn genetic diseases. Identifiers: MedGen C0950123, MeSH D030342.

Allele frequency attached by ClinVar (database versions not stated): gnomAD exomes below 0.00001 and 0.00001; ExAC 0.00002; gnomAD 0.00005; TOPMed 0.00006.
gnomAD v4.1: 10 of 1,614,100 alleles (0.00062%); highest among the groups gnomAD compares: African/African-American, 0.013%; no homozygotes.

Submissions (2):

Ambry Genetics
Classification: Uncertain significance for Inborn genetic diseases. Last evaluated: 2023-02-23. Review status: criteria provided, single submitter. Criteria: Ambry Variant Classification Scheme 2023. Collection method: clinical testing. Allele origin: germline.

Labcorp Genetics (formerly Invitae), Labcorp
Classification: Uncertain significance for Hereditary spastic paraplegia 64. Last evaluated: 2022-07-06. Review status: criteria provided, single submitter. Criteria: Invitae Variant Classification Sherloc (09022015). Collection method: clinical testing. Allele origin: germline.
Comment: In summary, the available evidence is currently insufficient to determine the role of this variant in disease. Therefore, it has been classified as a Variant of Uncertain Significance. Algorithms developed to predict the effect of missense changes on protein structure and function are either unavailable or do not agree on the potential impact of this missense change (SIFT: "Deleterious"; PolyPhen-2: "Possibly Damaging"; Align-GVGD: "Class C0"). ClinVar contains an entry for this variant (Variation ID: 1040141). This variant has not been reported in the literature in individuals affected with ENTPD1-related conditions. This variant is present in population databases (rs760388886, gnomAD 0.02%). This sequence change replaces valine, which is neutral and non-polar, with leucine, which is neutral and non-polar, at codon 152 of the ENTPD1 protein (p.Val152Leu).